The following is an entry in ClinVar:

NM_000234.3(LIG1):c.2320C>A (p.Arg774=)

Gene: LIG1 (DNA ligase 1; minus strand). Cytogenetic location: 19q13.33.
Variant type: single nucleotide variant.
Coding change: c.2320C>A on transcript NM_000234.3 (MANE Select); coding-DNA position 2320, C replaced by A.
Protein change: p.Arg774=; no amino-acid change (arginine 774 retained).
Molecular consequence: synonymous variant. On other transcripts: non-coding transcript variant (6).
Genome position (GRCh38, 1-based): chr19:48,121,235, G>T on the plus strand (C>A on the coding strand, the complement: LIG1 is on the minus strand). VCF-style: chr19-48121235-G-T. GRCh37 (hg19) VCF-style: chr19-48624492-G-T.
Other names: c.2227C>A, p.Arg743= (NM_001289063.2); c.2116C>A, p.Arg706= (NM_001289064.2); c.2317C>A, p.Arg773= (NM_001320970.2); c.2230C>A, p.Arg744= (NM_001320971.2).
Identifiers: ClinVar variation 2130097 (VCV002130097.4), dbSNP rs201073563, ClinGen allele CA508013082.

ClinVar aggregate classification (germline): Uncertain significance (1 of 4 stars; one submission).

Submission:

Labcorp Genetics (formerly Invitae), Labcorp
Classification: Uncertain significance. Last evaluated: 2022-05-21. Review status: criteria provided, single submitter. Criteria: Invitae Variant Classification Sherloc (09022015). Collection method: clinical testing. Allele origin: germline.
Comment: This sequence change affects codon 774 of the LIG1 mRNA. It is a 'silent' change, meaning that it does not change the encoded amino acid sequence of the LIG1 protein. This variant is not present in population databases (gnomAD no frequency). This variant has not been reported in the literature in individuals affected with LIG1-related conditions. Algorithms developed to predict the effect of sequence changes on RNA splicing suggest that this variant may create or strengthen a splice site. In summary, the available evidence is currently insufficient to determine the role of this variant in disease. Therefore, it has been classified as a Variant of Uncertain Significance.